The following is an entry in ClinVar:

ClinVar aggregate classification (germline): Uncertain significance (1 of 4 stars; one submission).

Conditions:
Familial cancer of breast. Also called: BREAST CANCER, FAMILIAL; Hereditary breast cancer; hereditary breast carcinoma. Identifiers: Orphanet 227535, MedGen C0346153, MONDO:0016419, OMIM 114480. Disease mechanism: loss of function.

Submission:

Labcorp Genetics (formerly Invitae), Labcorp
Classification: Uncertain significance for Familial cancer of breast. Last evaluated: 2021-04-10. Review status: criteria provided, single submitter. Criteria: Invitae Variant Classification Sherloc (09022015). Collection method: clinical testing. Allele origin: germline.
Comment: In summary, the available evidence is currently insufficient to determine the role of this variant in disease. Therefore, it has been classified as a Variant of Uncertain Significance. Algorithms developed to predict the effect of sequence changes on RNA splicing suggest that this variant may create or strengthen a splice site, but this prediction has not been confirmed by published transcriptional studies. Algorithms developed to predict the effect of missense changes on protein structure and function are either unavailable or do not agree on the potential impact of this missense change (SIFT: "Deleterious"; PolyPhen-2: "Probably Damaging"; Align-GVGD: "Class C0"). This variant has not been reported in the literature in individuals with CHEK2-related conditions. This variant is not present in population databases (ExAC no frequency). This sequence change replaces valine with glycine at codon 395 of the CHEK2 protein (p.Val395Gly). The valine residue is highly conserved and there is a moderate physicochemical difference between valine and glycine.

NM_007194.4(CHEK2):c.1184T>G (p.Val395Gly)

Gene: CHEK2 (checkpoint kinase 2; minus strand). Cytogenetic location: 22q12.1.
Variant type: single nucleotide variant.
Coding change: c.1184T>G on transcript NM_007194.4 (MANE Select); coding-DNA position 1184, T replaced by G.
Protein change: p.Val395Gly; replaces valine 395 with glycine.
Molecular consequence: missense variant.
Genome position (GRCh38, 1-based): chr22:28,695,785, A>C on the plus strand (T>G on the coding strand, the complement: CHEK2 is on the minus strand). VCF-style: chr22-28695785-A-C. GRCh37 (hg19) VCF-style: chr22-29091773-A-C.
Other names: c.1313T>G, p.Val438Gly (NM_001005735.3); c.521T>G, p.Val174Gly (NM_001257387.3); c.983T>G, p.Val328Gly (NM_001349956.3); c.1097T>G, p.Val366Gly (NM_145862.3); short protein forms V174G, V438G, V328G, V395G, V366G.
Identifiers: ClinVar variation 1386622 (VCV001386622.9), dbSNP rs1555913769, ClinGen allele CA411096803.